The following is an entry in ClinVar:

NM_000553.6(WRN):c.4178G>T (p.Gly1393Val)

Gene: WRN (WRN RecQ like helicase; plus strand). Cytogenetic location: 8p12.
Variant type: single nucleotide variant.
Coding change: c.4178G>T on transcript NM_000553.6 (MANE Select); coding-DNA position 4178, G replaced by T.
Protein change: p.Gly1393Val; replaces glycine 1393 with valine.
Molecular consequence: missense variant.
Genome position (GRCh38, 1-based): chr8:31,167,217, G>T. VCF-style: chr8-31167217-G-T. GRCh37 (hg19) VCF-style: chr8-31024733-G-T.
Other names: short protein forms G1393V.
Identifiers: ClinVar variation 573363 (VCV000573363.8), dbSNP rs186424616, ClinGen allele CA4705273.
Genomic context (GRCh38, chr8:31,167,217, plus strand): 5'-GATGTTTTCCCGGTTCTGAAGAGATCTGTTCAAGTTCTAAGAGAAGCAAGGAAGAAGTAG[G>T]CATCAATACTGAGGTATTAATTATATATAGAATTTTCATAAAGTGTCAGTTTGTTCAATT-3'
Protein context (NP_000544.2, residues 1383-1403): SSSKRSKEEV[Gly1393Val]INTETSSAER

ClinVar aggregate classification (germline): Uncertain significance (1 of 4 stars; one submission).

Conditions:
Werner syndrome (WRN). Identifiers: Orphanet 902, MedGen C0043119, MONDO:0010196, OMIM 277700.

Allele frequency attached by ClinVar (database versions not stated): gnomAD 0.00003 and 0.00004; TOPMed 0.00007; 1000 Genomes Project 0.00060; 1000 Genomes Project 30x 0.00062.
gnomAD v4.1: 30 of 1,612,692 alleles (0.0019%); highest among the groups gnomAD compares: Admixed American, 0.022%; no homozygotes.

Submission:

Labcorp Genetics (formerly Invitae), Labcorp
Classification: Uncertain significance for Werner syndrome. Last evaluated: 2024-09-09. Review status: criteria provided, single submitter. Criteria: Invitae Variant Classification Sherloc (09022015). Collection method: clinical testing. Allele origin: germline.
Comment: This sequence change replaces glycine, which is neutral and non-polar, with valine, which is neutral and non-polar, at codon 1393 of the WRN protein (p.Gly1393Val). This variant is present in population databases (rs186424616, gnomAD 0.01%). This variant has not been reported in the literature in individuals affected with WRN-related conditions. ClinVar contains an entry for this variant (Variation ID: 573363). An algorithm developed to predict the effect of missense changes on protein structure and function (PolyPhen-2) suggests that this variant¬†is likely to be tolerated. RNA analysis performed to evaluate the impact of this missense change on mRNA splicing indicates it does not significantly alter splicing (internal data). In summary, the available evidence is currently insufficient to determine the role of this variant in disease. Therefore, it has been classified as a Variant of Uncertain Significance.